The following is an entry in ClinVar:

ClinVar aggregate classification (germline): Uncertain significance (1 of 4 stars; one submission).

Allele frequency attached by ClinVar (database versions not stated): TOPMed 0.00004; ExAC 0.00006; gnomAD 0.00006; ESP Exome Variant Server 0.00008.
gnomAD v4.1: 39 of 1,599,452 alleles (0.0024%); highest among the groups gnomAD compares: South Asian, 0.0057%; no homozygotes.

Submission:

Labcorp Genetics (formerly Invitae), Labcorp
Classification: Uncertain significance. Last evaluated: 2022-04-21. Review status: criteria provided, single submitter. Criteria: Invitae Variant Classification Sherloc (09022015). Collection method: clinical testing. Allele origin: germline.
Comment: This sequence change replaces valine, which is neutral and non-polar, with isoleucine, which is neutral and non-polar, at codon 2012 of the CACNA1B protein (p.Val2012Ile). This variant is present in population databases (rs200800510, gnomAD 0.01%). This variant has not been reported in the literature in individuals affected with CACNA1B-related conditions. Advanced modeling of protein sequence and biophysical properties (such as structural, functional, and spatial information, amino acid conservation, physicochemical variation, residue mobility, and thermodynamic stability) performed at Invitae indicates that this missense variant is not expected to disrupt CACNA1B protein function. In summary, the available evidence is currently insufficient to determine the role of this variant in disease. Therefore, it has been classified as a Variant of Uncertain Significance.

NM_000718.4(CACNA1B):c.6034G>A (p.Val2012Ile)

Gene: CACNA1B (calcium voltage-gated channel subunit alpha1 B; plus strand). Cytogenetic location: 9q34.3.
Variant type: single nucleotide variant.
Coding change: c.6034G>A on transcript NM_000718.4 (MANE Select); coding-DNA position 6034, G replaced by A.
Protein change: p.Val2012Ile; replaces valine 2012 with isoleucine.
Molecular consequence: missense variant.
Genome position (GRCh38, 1-based): chr9:138,120,168, G>A. VCF-style: chr9-138120168-G-A. GRCh37 (hg19) VCF-style: chr9-141014620-G-A.
Other names: c.6034G>A, p.Val2012Ile (NM_001243812.2); short protein forms V2012I.
Identifiers: ClinVar variation 1988907 (VCV001988907.1), dbSNP rs200800510, ClinGen allele CA5377592.